The following is an entry in ClinVar:

ClinVar aggregate classification (germline): Pathogenic/Likely pathogenic. Review status: criteria provided, multiple submitters, no conflicts (2 of 4 stars). 2 submissions from 2 submitters: Pathogenic (1); Likely pathogenic (1). Last evaluated 2024-03-26.

Conditions:
Periodontitis, aggressive. Identifiers: MedGen C0031106, MONDO:0980757.
Papillon-Lefèvre syndrome (PALS). Also called: KERATOSIS PALMOPLANTARIS WITH PERIODONTOPATHIA; Papillon-Lefevre Disease. Identifiers: Orphanet 678, MedGen C0030360, MONDO:0009490, OMIM 245000.
Haim-Munk syndrome (HMS). Also called: COCHIN JEWISH DISORDER; KERATOSIS PALMOPLANTARIS WITH PERIODONTOPATHIA AND ONYCHOGRYPOSIS. Identifiers: Orphanet 2342, MedGen C1855627, MONDO:0009491, OMIM 245010.

Submissions (2):

Genomic Medicine Center of Excellence, King Faisal Specialist Hospital and Research Centre
Classification: Likely pathogenic for Papillon-Lefèvre syndrome. Last evaluated: 2024-03-26. Review status: criteria provided, single submitter. Criteria: ACMG Guidelines, 2015. Collection method: clinical testing. Allele origin: germline.

Labcorp Genetics (formerly Invitae), Labcorp
Classification: Pathogenic for Haim-Munk syndrome; Periodontitis, aggressive; Papillon-Lefèvre syndrome. Last evaluated: 2023-09-27. Review status: criteria provided, single submitter. Criteria: Invitae Variant Classification Sherloc (09022015). Collection method: clinical testing. Allele origin: germline.
Comment: This sequence change creates a premature translational stop signal (p.Val64*) in the CTSC gene. It is expected to result in an absent or disrupted protein product. Loss-of-function variants in CTSC are known to be pathogenic (PMID: 10662808, 11106356, 11886537). The frequency data for this variant in the population databases is considered unreliable, as metrics indicate poor data quality at this position in the gnomAD database. This variant has not been reported in the literature in individuals affected with CTSC-related conditions. For these reasons, this variant has been classified as Pathogenic.

Literature cited by the submitters: PubMed 10662808 (cited by Labcorp Genetics (formerly Invitae), Labcorp); PubMed 11106356 (cited by Labcorp Genetics (formerly Invitae), Labcorp); PubMed 11886537 (cited by Labcorp Genetics (formerly Invitae), Labcorp).

NM_001814.6(CTSC):c.189del (p.Lys63_Val64insTer)

Gene: CTSC (cathepsin C; minus strand). Cytogenetic location: 11q14.2.
Variant type: Deletion.
Coding change: c.189del on transcript NM_001814.6 (MANE Select); coding-DNA position 189, one base deleted (A; older notation c.189delA).
Protein change: p.Lys63_Val64insTer.
Molecular consequence: frameshift variant.
Genome position (GRCh38, 1-based): chr11:88,335,066, T deleted on the plus strand (A on the coding strand, the reverse complement: CTSC is on the minus strand); the first of 8 consecutive T bases (chr11:88,335,066-88,335,073); deleting any one gives the same sequence. VCF-style (leftmost placement, unchanged base first): chr11-88335065-CT-C. GRCh37 (hg19) VCF-style: chr11-88068233-CT-C.
Other names: c.189del, p.Lys63_Val64insTer (NM_001114173.3, NM_148170.5).
Identifiers: ClinVar variation 2952295 (VCV002952295.4), dbSNP rs766504984, ClinGen allele CA6220103.